The following is an entry in ClinVar:

ClinVar aggregate classification (germline): Uncertain significance (1 of 4 stars; one submission).

Submission:

Labcorp Genetics (formerly Invitae), Labcorp
Classification: Uncertain significance. Last evaluated: 2024-05-29. Review status: criteria provided, single submitter. Criteria: Invitae Variant Classification Sherloc (09022015). Collection method: clinical testing. Allele origin: germline.
Comment: This sequence change replaces glutamine, which is neutral and polar, with arginine, which is basic and polar, at codon 842 of the KIF11 protein (p.Gln842Arg). This variant is not present in population databases (gnomAD no frequency). This variant has not been reported in the literature in individuals affected with KIF11-related conditions. Advanced modeling of protein sequence and biophysical properties (such as structural, functional, and spatial information, amino acid conservation, physicochemical variation, residue mobility, and thermodynamic stability) performed at Invitae indicates that this missense variant is not expected to disrupt KIF11 protein function with a negative predictive value of 80%. In summary, the available evidence is currently insufficient to determine the role of this variant in disease. Therefore, it has been classified as a Variant of Uncertain Significance.

NM_004523.4(KIF11):c.2525A>G (p.Gln842Arg)

Gene: KIF11 (kinesin family member 11; plus strand). Cytogenetic location: 10q23.33.
Variant type: single nucleotide variant.
Coding change: c.2525A>G on transcript NM_004523.4 (MANE Select); coding-DNA position 2525, A replaced by G.
Protein change: p.Gln842Arg; replaces glutamine 842 with arginine.
Molecular consequence: missense variant.
Genome position (GRCh38, 1-based): chr10:92,645,620, A>G. VCF-style: chr10-92645620-A-G. GRCh37 (hg19) VCF-style: chr10-94405377-A-G.
Other names: short protein forms Q842R.
Identifiers: ClinVar variation 3690301 (VCV003690301.2).
Genomic context (GRCh38, chr10:92,645,620, plus strand): 5'-TGAACACAAGAACAGTTTATTTTTCTGAACAGTGGGTATCTTCCTTAAATGAAAGGGAAC[A>G]GGAACTTCACAACTTATTGGAGGTAATAACTTTGTAAGTGGAACTTACTTTGGGGAGAAT-3'
Protein context (NP_004514.2, residues 832-852): QWVSSLNERE[Gln842Arg]ELHNLLEVVS